The following is an entry in ClinVar:

NM_000271.5(NPC1):c.188G>C (p.Cys63Ser)

Gene: NPC1 (NPC intracellular cholesterol transporter 1; minus strand). Cytogenetic location: 18q11.2.
Variant type: single nucleotide variant.
Coding change: c.188G>C on transcript NM_000271.5 (MANE Select); coding-DNA position 188, G replaced by C.
Protein change: p.Cys63Ser; replaces cysteine 63 with serine.
Molecular consequence: missense variant.
Genome position (GRCh38, 1-based): chr18:23,572,173, C>G on the plus strand (G>C on the coding strand, the complement: NPC1 is on the minus strand). VCF-style: chr18-23572173-C-G. GRCh37 (hg19) VCF-style: chr18-21152137-C-G.
Other names: short protein forms C63S.
Identifiers: ClinVar variation 3637539 (VCV003637539.2).

ClinVar aggregate classification (germline): Likely pathogenic (1 of 4 stars; one submission).

Conditions:
Niemann-Pick disease, type C1. Also called: NIEMANN-PICK DISEASE, VARIANT TYPE C1; NEUROVISCERAL STORAGE DISEASE WITH VERTICAL SUPRANUCLEAR OPHTHALMOPLEGIA; NIEMANN-PICK DISEASE WITH CHOLESTEROL ESTERIFICATION BLOCK; NIEMANN-PICK DISEASE WITHOUT SPHINGOMYELINASE DEFICIENCY; NIEMANN-PICK DISEASE, CHRONIC NEURONOPATHIC FORM. Identifiers: Orphanet 646, MedGen C3179455, MONDO:0009757, OMIM 257220.

Submission:

Labcorp Genetics (formerly Invitae), Labcorp
Classification: Likely pathogenic for Niemann-Pick disease, type C1. Last evaluated: 2024-03-07. Review status: criteria provided, single submitter. Criteria: Invitae Variant Classification Sherloc (09022015). Collection method: clinical testing. Allele origin: germline.
Comment: This sequence change replaces cysteine, which is neutral and slightly polar, with serine, which is neutral and polar, at codon 63 of the NPC1 protein (p.Cys63Ser). This variant is not present in population databases (gnomAD no frequency). This variant has not been reported in the literature in individuals affected with NPC1-related conditions. Advanced modeling of protein sequence and biophysical properties (such as structural, functional, and spatial information, amino acid conservation, physicochemical variation, residue mobility, and thermodynamic stability) performed at Invitae indicates that this missense variant is expected to disrupt NPC1 protein function with a positive predictive value of 95%. Experimental studies have shown that this missense change affects NPC1 function (PMID: 9927649). This variant disrupts the p.Cys63 amino acid residue in NPC1. Other variant(s) that disrupt this residue have been determined to be pathogenic (PMID: 11545687). This suggests that this residue is clinically significant, and that variants that disrupt this residue are likely to be disease-causing. In summary, the currently available evidence indicates that the variant is pathogenic, but additional data are needed to prove that conclusively. Therefore, this variant has been classified as Likely Pathogenic.

Literature cited by the submitters: PubMed 9927649; PubMed 11545687.